The following is an entry in ClinVar:

ClinVar aggregate classification (germline): Uncertain significance. Review status: criteria provided, single submitter (1 of 4 stars). 2 submissions from 2 submitters: Uncertain significance (1). 1 of the submissions does not count toward it. Last evaluated 2024-12-09.

Conditions:
Combined malonic and methylmalonic acidemia. Identifiers: Orphanet 289504, MedGen C3280314, MONDO:0013661, OMIM 614265.
Methylmalonic acidemia (MMA). Also called: Isolated Methylmalonic Acidemia. Identifiers: MedGen C0268583, MeSH C537358, MONDO:0002012, HP:0002912.

Allele frequency attached by ClinVar (database versions not stated): gnomAD exomes 0.00002; gnomAD 0.00003; TOPMed 0.00005.
gnomAD v4.1: 32 of 1,596,558 alleles (0.002%); highest among the groups gnomAD compares: Middle Eastern, 0.25%; no homozygotes.

Submissions (2):

Labcorp Genetics (formerly Invitae), Labcorp
Classification: Uncertain significance for Combined malonic and methylmalonic acidemia. Last evaluated: 2024-12-09. Review status: criteria provided, single submitter. Criteria: Invitae Variant Classification Sherloc (09022015). Collection method: clinical testing. Allele origin: germline.
Comment: This sequence change replaces arginine, which is basic and polar, with glutamine, which is neutral and polar, at codon 10 of the ACSF3 protein (p.Arg10Gln). This variant is present in population databases (rs751551226, gnomAD 0.01%). This variant has not been reported in the literature in individuals affected with ACSF3-related conditions. ClinVar contains an entry for this variant (Variation ID: 203599). Invitae Evidence Modeling of protein sequence and biophysical properties (such as structural, functional, and spatial information, amino acid conservation, physicochemical variation, residue mobility, and thermodynamic stability) indicates that this missense variant is not expected to disrupt ACSF3 protein function with a negative predictive value of 95%. In summary, the available evidence is currently insufficient to determine the role of this variant in disease. Therefore, it has been classified as a Variant of Uncertain Significance.

Natera, Inc.
Classification: Uncertain significance for Methylmalonic acidemia. Last evaluated: 2020-05-04. Review status: no assertion criteria provided. Collection method: clinical testing. Allele origin: germline. Not counted in ClinVar's aggregate classification.

NM_001243279.3(ACSF3):c.29G>A (p.Arg10Gln)

Gene: ACSF3 (acyl-CoA synthetase family member 3; plus strand). Cytogenetic location: 16q24.3.
Variant type: single nucleotide variant.
Coding change: c.29G>A on transcript NM_001243279.3 (MANE Select); coding-DNA position 29, G replaced by A.
Protein change: p.Arg10Gln; replaces arginine 10 with glutamine.
Molecular consequence: missense variant. On other transcripts: non-coding transcript variant (3), intron variant (1).
Genome position (GRCh38, 1-based): chr16:89,100,710, G>A. VCF-style: chr16-89100710-G-A. GRCh37 (hg19) VCF-style: chr16-89167118-G-A.
Other names: c.29G>A, p.Arg10Gln (NM_001127214.4, NM_174917.5); c.-129-1894G>A (NM_001284316.2); short protein forms R10Q.
Identifiers: ClinVar variation 203599 (VCV000203599.5), dbSNP rs751551226, ClinGen allele CA312297.